The following is an entry in ClinVar:

NM_005334.3(HCFC1):c.4333+11G>T

Gene: HCFC1 (host cell factor C1; minus strand). Cytogenetic location: Xq28.
Variant type: single nucleotide variant.
Coding change: c.4333+11G>T on transcript NM_005334.3 (MANE Select); 11 bases into the intron after coding-DNA position 4333, G replaced by T.
Molecular consequence: intron variant.
Genome position (GRCh38, 1-based): chrX:153,954,055, C>A on the plus strand (G>T on the coding strand, the complement: HCFC1 is on the minus strand). VCF-style: chrX-153954055-C-A. GRCh37 (hg19) VCF-style: chrX-153219506-C-A.
Identifiers: ClinVar variation 512084 (VCV000512084.4), dbSNP rs1557113474, ClinGen allele CA645289731.
Genomic context (GRCh38, chrX:153,954,055, plus strand): 5'-CATCGTTGTCTTGGCCTTTCAGCCTGGGGGGCTGGGAGACCATGAAAGCCAGGCTGGCCA[C>A]CTTCACTTACCTTGGTTTGAACTCATGTTGGAAGTGACAGTGGTGGCCGTGTGAGTGGTG-3'

ClinVar aggregate classification (germline): Likely benign. Review status: criteria provided, multiple submitters, no conflicts (2 of 4 stars). 2 submissions from 2 submitters: Likely benign (2). Last evaluated 2023-12-09.

Conditions:
Methylmalonic acidemia with homocystinuria, type cblX (MAHCX). Also called: INTELLECTUAL DEVELOPMENTAL DISORDER, X-LINKED 3. Identifiers: Orphanet 369962, MedGen C0796208, MONDO:0010657, OMIM 309541.

Allele frequency attached by ClinVar (database versions not stated): gnomAD 0.00001; gnomAD exomes 0.00002.

Submissions (2):

Labcorp Genetics (formerly Invitae), Labcorp
Classification: Likely benign for Methylmalonic acidemia with homocystinuria, type cblX. Last evaluated: 2023-12-09. Review status: criteria provided, single submitter. Criteria: Invitae Variant Classification Sherloc (09022015). Collection method: clinical testing. Allele origin: germline.

GeneDx
Classification: Likely benign. Last evaluated: 2017-09-26. Review status: criteria provided, single submitter. Criteria: GeneDx Variant Classification (06012015). Collection method: clinical testing. Allele origin: germline. Affected: yes.
Comment: This variant is considered likely benign or benign based on one or more of the following criteria: it is a conservative change, it occurs at a poorly conserved position in the protein, it is predicted to be benign by multiple in silico algorithms, and/or has population frequency not consistent with disease.